The following is an entry in ClinVar:

NM_015662.3(IFT172):c.1608C>T (p.Asp536=)

Gene: IFT172 (intraflagellar transport 172; minus strand). Cytogenetic location: 2p23.3.
Variant type: single nucleotide variant.
Coding change: c.1608C>T on transcript NM_015662.3 (MANE Select); coding-DNA position 1608, C replaced by T.
Protein change: p.Asp536=; no amino-acid change (aspartic acid 536 retained).
Molecular consequence: synonymous variant.
Genome position (GRCh38, 1-based): chr2:27,471,012, G>A on the plus strand (C>T on the coding strand, the complement: IFT172 is on the minus strand). VCF-style: chr2-27471012-G-A. GRCh37 (hg19) VCF-style: chr2-27693879-G-A.
Identifiers: ClinVar variation 712757 (VCV000712757.13), dbSNP rs749114212, ClinGen allele CA1580582.
Genomic context (GRCh38, chr2:27,471,012, plus strand): 5'-CTCAGGTGCCTCAATGTTGTACCATACACACAGACTGTTTCGGTTCTGAGCTACCAGCAC[G>A]TCACTTCCTGGGACCCACTGCATATAGGAGCAGAAGTTGAGGATCATTGTCTTAGAGCAG-3'
Protein context (NP_056477.1, residues 526-546): CSYMQWVPGS[Asp536=]VLVAQNRNSL

ClinVar aggregate classification (germline): Likely benign. Review status: criteria provided, multiple submitters, no conflicts (2 of 4 stars). 4 submissions from 4 submitters: Likely benign (3). 1 of the submissions does not count toward it. Last evaluated 2025-09-03.

Conditions:
Short-rib thoracic dysplasia 10 with or without polydactyly (SRTD10). Identifiers: Orphanet 474, MedGen C3810175, MONDO:0014284, OMIM 615630.
Retinitis pigmentosa 71 (RP71). Identifiers: Orphanet 791, MedGen C4225342, MONDO:0014618, OMIM 616394.
Bardet-Biedl syndrome 20. Identifiers: MedGen C4310707, MONDO:0023670, OMIM 619471, MONDO:0014926.
IFT172-related disorder. Also called: IFT172-related condition; IFT172-related disorders.

Allele frequency attached by ClinVar (database versions not stated): ExAC 0.00002; gnomAD exomes 0.00006 and 0.00009; gnomAD 0.00008 and 0.00009; TOPMed 0.00011.
gnomAD v4.1: 148 of 1,613,880 alleles (0.0092%); highest among the groups gnomAD compares: Admixed American, 0.018%; no homozygotes.

Submissions (4):

Labcorp Genetics (formerly Invitae), Labcorp
Classification: Likely benign for Retinitis pigmentosa 71; Short-rib thoracic dysplasia 10 with or without polydactyly. Last evaluated: 2025-09-03. Review status: criteria provided, single submitter. Criteria: Invitae Variant Classification Sherloc (09022015). Collection method: clinical testing. Allele origin: germline.

Blueprint Genetics
Classification: Likely benign. Last evaluated: 2024-09-23. Review status: criteria provided, single submitter. Criteria: ACMG Guidelines, 2015. Collection method: clinical testing. Allele origin: germline.

Fulgent Genetics
Classification: Likely benign for Short-rib thoracic dysplasia 10 with or without polydactyly; Retinitis pigmentosa 71; Bardet-Biedl syndrome 20. Last evaluated: 2021-09-28. Review status: criteria provided, single submitter. Criteria: ACMG Guidelines, 2015. Collection method: clinical testing. Allele origin: unknown.

PreventionGenetics, part of Exact Sciences
Classification: Likely benign for IFT172-related condition. Last evaluated: 2020-08-31. Review status: no assertion criteria provided. Collection method: clinical testing. Allele origin: germline. Not counted in ClinVar's aggregate classification.
Comment: This variant is classified as likely benign based on ACMG/AMP sequence variant interpretation guidelines (Richards et al. 2015 PMID: 25741868, with internal and published modifications).